The following is an entry in ClinVar:

NM_000548.5(TSC2):c.1817T>A (p.Ile606Asn)

Gene: TSC2 (TSC complex subunit 2; plus strand). Cytogenetic location: 16p13.3.
Variant type: single nucleotide variant.
Coding change: c.1817T>A on transcript NM_000548.5 (MANE Select); coding-DNA position 1817, T replaced by A.
Protein change: p.Ile606Asn; replaces isoleucine 606 with asparagine.
Molecular consequence: missense variant. On other transcripts: non-coding transcript variant (5).
Genome position (GRCh38, 1-based): chr16:2,070,556, T>A. VCF-style: chr16-2070556-T-A. GRCh37 (hg19) VCF-style: chr16-2120557-T-A.
Other names: c.1817T>A, p.Ile606Asn (NM_001077183.3, NM_001114382.3, NM_001363528.2 and 6 more transcripts); c.1706T>A, p.Ile569Asn (NM_001318827.2, NM_001406670.1, NM_001406678.1); c.1670T>A, p.Ile557Asn (NM_001318829.2, NM_001406675.1, NM_001406676.1 and 1 more transcripts); c.1217T>A, p.Ile406Asn (NM_001318831.2, NM_001406680.1, NM_001406682.1 and 6 more transcripts); c.1850T>A, p.Ile617Asn (NM_001318832.2); c.1907T>A, p.Ile636Asn (NM_001406667.1, NM_001406668.1); c.1805T>A, p.Ile602Asn (NM_001406671.1, NM_001406673.1); c.1760T>A, p.Ile587Asn (NM_001406677.1); and 3 more; short protein forms I452N, I606N, I587N, I602N, I636N, I158N, I557N, I569N.
Identifiers: ClinVar variation 3811358 (VCV003811358.1).
Genomic context (GRCh38, chr16:2,070,556, plus strand): 5'-TGTATGAGATGCTGGTCAGCCACATTCAGCTCCACTACAAGCACAGCTACACCCTGCCAA[T>A]CGCGAGCAGCATCCGGCTGCAGGTATGGTGGCTGGGGTTGCGCAGCCAGTTCCTGGGGGC-3'
Protein context (NP_000539.2, residues 596-616): LHYKHSYTLP[Ile606Asn]ASSIRLQAFD

ClinVar aggregate classification (germline): Uncertain significance (1 of 4 stars; one submission).

Conditions:
Hereditary cancer-predisposing syndrome. Also called: Hereditary neoplastic syndrome; Neoplastic Syndromes, Hereditary; Tumor predisposition; Hereditary Cancer Syndrome. Identifiers: Orphanet 140162, MedGen C0027672, MeSH D009386, MONDO:0015356.

Submission:

Ambry Genetics
Classification: Uncertain significance for Hereditary cancer-predisposing syndrome. Last evaluated: 2025-02-13. Review status: criteria provided, single submitter. Criteria: Ambry Variant Classification Scheme 2023. Collection method: clinical testing. Allele origin: germline.
Comment: The p.I606N variant (also known as c.1817T>A), located in coding exon 16 of the TSC2 gene, results from a T to A substitution at nucleotide position 1817. The isoleucine at codon 606 is replaced by asparagine, an amino acid with dissimilar properties. This amino acid position is conserved. In addition, the in silico prediction for this alteration is inconclusive. Based on the available evidence, the clinical significance of this variant remains unclear.